The following is an entry in ClinVar:

NM_000051.4(ATM):c.2250+7G>A

Gene: ATM (ATM serine/threonine kinase; plus strand). Cytogenetic location: 11q22.3.
Variant type: single nucleotide variant.
Coding change: c.2250+7G>A on transcript NM_000051.4 (MANE Select); 7 bases into the intron after coding-DNA position 2250, G replaced by A.
Molecular consequence: intron variant.
Genome position (GRCh38, 1-based): chr11:108,256,347, G>A. VCF-style: chr11-108256347-G-A. GRCh37 (hg19) VCF-style: chr11-108127074-G-A.
Other names: c.2250+7G>A (NM_001351834.2).
Identifiers: ClinVar variation 236686 (VCV000236686.16), dbSNP rs752009031, ClinGen allele CA10582803.

ClinVar aggregate classification (germline): Conflicting classifications of pathogenicity. Review status: criteria provided, conflicting classifications (1 of 4 stars). 5 submissions from 5 submitters: Uncertain significance (1); Likely benign (3). 1 of the submissions does not count toward it. Last evaluated 2025-12-21.

Conditions:
Familial cancer of breast. Also called: hereditary breast carcinoma; Hereditary breast cancer; BREAST CANCER, FAMILIAL. Identifiers: Orphanet 227535, MedGen C0346153, MONDO:0016419, OMIM 114480. Disease mechanism: loss of function.
Ataxia-telangiectasia syndrome (AT). Also called: LOUIS-BAR SYNDROME; Ataxia-telangiectasia, complementation group D; AT, COMPLEMENTATION GROUP C; Ataxia-telangiectasia, complementation group E; Ataxia telangiectasia (A-T); Cerebello-oculocutaneous telangiectasia. Identifiers: Orphanet 100, MedGen C0004135, MONDO:0008840, OMIM 208900.
ATM-related disorder. Also called: ATM-related disorders; ATM-related condition.

Submissions (5):

Labcorp Genetics (formerly Invitae), Labcorp
Classification: Likely benign for Ataxia-telangiectasia syndrome. Last evaluated: 2025-12-21. Review status: criteria provided, single submitter. Criteria: Invitae Variant Classification Sherloc (09022015). Collection method: clinical testing. Allele origin: germline.

Blueprint Genetics
Classification: Likely benign. Last evaluated: 2024-11-25. Review status: criteria provided, single submitter. Criteria: ACMG Guidelines, 2015. Collection method: clinical testing. Allele origin: germline.

Athena Diagnostics
Classification: Uncertain significance. Last evaluated: 2024-10-22. Review status: criteria provided, single submitter. Criteria: Athena Diagnostics Criteria. Collection method: clinical testing. Allele origin: unknown.
Comment: Available data are insufficient to determine the clinical significance of the variant at this time. The frequency of this variant in the general population is uninformative in assessment of its pathogenicity. This variant has been identified in at least one individual with clinical features associated with this gene. Computational tools yielded predictions that this variant is unlikely to have an effect on normal RNA splicing.

Myriad Genetics, Inc.
Classification: Likely benign for Familial cancer of breast. Last evaluated: 2024-05-07. Review status: criteria provided, single submitter. Criteria: Myriad Autosomal Dominant, Autosomal Recessive and X-Linked Classification Criteria (2023). Collection method: clinical testing. Allele origin: unknown.
Comment: This variant is considered likely benign. This variant is intronic and is not expected to impact mRNA splicing.

PreventionGenetics, part of Exact Sciences
Classification: Likely benign for ATM-related condition. Last evaluated: 2024-03-21. Review status: no assertion criteria provided. Collection method: clinical testing. Allele origin: germline. Not counted in ClinVar's aggregate classification.
Comment: This variant is classified as likely benign based on ACMG/AMP sequence variant interpretation guidelines (Richards et al. 2015 PMID: 25741868, with internal and published modifications).